The following is an entry in ClinVar:

ClinVar aggregate classification (germline): Likely benign (0 of 4 stars; one submission).

Conditions:
C1R-related disorder. Also called: C1R-related condition.

gnomAD v4.1: 1 of 772,278 alleles (0.00013%); highest among the groups gnomAD compares: Non-Finnish European, 0.00024%; no homozygotes.

Submission:

PreventionGenetics, part of Exact Sciences
Classification: Likely benign for C1R-related condition. Last evaluated: 2019-04-03. Review status: no assertion criteria provided. Collection method: clinical testing. Allele origin: germline.
Comment: This variant is classified as likely benign based on ACMG/AMP sequence variant interpretation guidelines (Richards et al. 2015 PMID: 25741868, with internal and published modifications).

NM_001733.7(C1R):c.916+10C>T

Gene: C1R (complement C1r; minus strand). Cytogenetic location: 12p13.31.
Variant type: single nucleotide variant.
Coding change: c.916+10C>T on transcript NM_001733.7 (MANE Select); 10 bases into the intron after coding-DNA position 916, C replaced by T.
Molecular consequence: intron variant.
Genome position (GRCh38, 1-based): chr12:7,088,829, G>A on the plus strand (C>T on the coding strand, the complement: C1R is on the minus strand). VCF-style: chr12-7088829-G-A. GRCh37 (hg19) VCF-style: chr12-7241425-G-A.
Other names: c.958+10C>T (NM_001354346.2).
Identifiers: ClinVar variation 3057434 (VCV003057434.2), dbSNP rs2539627395, ClinGen allele CA2617392399.
Genomic context (GRCh38, chr12:7,088,829, plus strand): 5'-CACTTGTCCTTCCTTCTTCCCCCCTTTTCCCCATTGCTGGCCATCGAGGGAGGCCTGCAG[G>A]GAGCCTTACTCTCGGTGGTGTAGCGCAGCTTCCAGCCCCGGCTGTCCCCCGACTCATCTG-3'